The following is an entry in ClinVar:

NM_144670.6(A2ML1):c.110A>G (p.Gln37Arg)

Genes: A2ML1 (alpha-2-macroglobulin like 1; plus strand), A2ML1-AS1 (A2ML1 antisense RNA 1; minus strand). Cytogenetic location: 12p13.31.
Variant type: single nucleotide variant.
Coding change: c.110A>G on transcript NM_144670.6 (MANE Select); coding-DNA position 110, A replaced by G.
Protein change: p.Gln37Arg; replaces glutamine 37 with arginine.
Molecular consequence: missense variant.
Genome position (GRCh38, 1-based): chr12:8,823,229, A>G. VCF-style: chr12-8823229-A-G. GRCh37 (hg19) VCF-style: chr12-8975825-A-G.
Other names: short protein forms Q37R.
Identifiers: ClinVar variation 1794644 (VCV001794644.2), dbSNP rs1942803408, ClinGen allele CA383817751.

ClinVar aggregate classification (germline): Uncertain significance (1 of 4 stars; one submission).

Allele frequency attached by ClinVar (database versions not stated): gnomAD exomes 0.00001.
gnomAD v4.1: 3 of 1,614,086 alleles (0.00019%); highest among the groups gnomAD compares: East Asian, 0.0067%; no homozygotes.

Submission:

Ambry Genetics
Classification: Uncertain significance. Last evaluated: 2022-07-10. Review status: criteria provided, single submitter. Criteria: Ambry Variant Classification Scheme 2023. Collection method: clinical testing. Allele origin: germline.
Comment: The p.Q37R variant (also known as c.110A>G), located in coding exon 2 of the A2ML1 gene, results from an A to G substitution at nucleotide position 110. The glutamine at codon 37 is replaced by arginine, an amino acid with highly similar properties. This amino acid position is conserved. In addition, this alteration is predicted to be tolerated by in silico analysis. Since supporting evidence is limited at this time, the clinical significance of this alteration remains unclear.